The following is an entry in ClinVar:

ClinVar aggregate classification (germline): Uncertain significance. Review status: criteria provided, multiple submitters, no conflicts (2 of 4 stars). 2 submissions from 2 submitters: Uncertain significance (2). Last evaluated 2025-09-19.

Conditions:
Cardiovascular phenotype. Identifiers: MedGen CN230736.
Dilated cardiomyopathy 1JJ (CMD1JJ). Identifiers: Orphanet 154, MedGen C3808935, MONDO:0014095, OMIM 615235.

Allele frequency attached by ClinVar (database versions not stated): ExAC 0.00003; gnomAD 0.00003; gnomAD exomes 0.00001; TOPMed below 0.00001.
gnomAD v4.1: 12 of 1,613,532 alleles (0.00074%); highest among the groups gnomAD compares: South Asian, 0.0066%; no homozygotes.

Submissions (2):

Labcorp Genetics (formerly Invitae), Labcorp
Classification: Uncertain significance for Dilated cardiomyopathy 1JJ. Last evaluated: 2025-09-19. Review status: criteria provided, single submitter. Criteria: Invitae Variant Classification Sherloc (09022015). Collection method: clinical testing. Allele origin: germline.
Comment: This sequence change replaces glycine, which is neutral and non-polar, with aspartic acid, which is acidic and polar, at codon 1544 of the LAMA4 protein (p.Gly1544Asp). This variant is present in population databases (rs782558391, gnomAD 0.01%). This variant has not been reported in the literature in individuals affected with LAMA4-related conditions. ClinVar contains an entry for this variant (Variation ID: 1742047). Invitae Evidence Modeling of protein sequence and biophysical properties (such as structural, functional, and spatial information, amino acid conservation, physicochemical variation, residue mobility, and thermodynamic stability) indicates that this missense variant is not expected to disrupt LAMA4 protein function with a negative predictive value of 80%. In summary, the available evidence is currently insufficient to determine the role of this variant in disease. Therefore, it has been classified as a Variant of Uncertain Significance.

Ambry Genetics
Classification: Uncertain significance for Cardiovascular phenotype. Last evaluated: 2024-04-25. Review status: criteria provided, single submitter. Criteria: Ambry Variant Classification Scheme 2023. Collection method: clinical testing. Allele origin: germline.
Comment: The p.G1544D variant (also known as c.4631G>A), located in coding exon 32 of the LAMA4 gene, results from a G to A substitution at nucleotide position 4631. The glycine at codon 1544 is replaced by aspartic acid, an amino acid with similar properties. This amino acid position is highly conserved in available vertebrate species; however, aspartic acid is the reference amino acid in other vertebrate species. In addition, the in silico prediction for this alteration is inconclusive. Since supporting evidence is limited at this time, the clinical significance of this alteration remains unclear.

NM_001105206.3(LAMA4):c.4652G>A (p.Gly1551Asp)

Gene: LAMA4 (laminin subunit alpha 4; minus strand). Cytogenetic location: 6q21.
Variant type: single nucleotide variant.
Coding change: c.4652G>A on transcript NM_001105206.3 (MANE Select); coding-DNA position 4652, G replaced by A.
Protein change: p.Gly1551Asp; replaces glycine 1551 with aspartic acid.
Molecular consequence: missense variant.
Genome position (GRCh38, 1-based): chr6:112,120,296, C>T on the plus strand (G>A on the coding strand, the complement: LAMA4 is on the minus strand). VCF-style: chr6-112120296-C-T. GRCh37 (hg19) VCF-style: chr6-112441499-C-T.
Other names: c.4631G>A, p.Gly1544Asp (NM_001105207.3, NM_002290.5); short protein forms G1544D, G1551D.
Identifiers: ClinVar variation 1742047 (VCV001742047.5), dbSNP rs782558391, ClinGen allele CA3964943.